The following is an entry in ClinVar:

ClinVar aggregate classification (germline): Uncertain significance. Review status: criteria provided, multiple submitters, no conflicts (2 of 4 stars). 2 submissions from 2 submitters: Uncertain significance (2). Last evaluated 2026-07-09.

Conditions:
Brugada syndrome. Also called: Sudden unexpected nocturnal death syndrome; Sudden unexplained nocturnal death syndrome; Sudden Unexplained Death Syndrome; Sudden Unexplained Nocturnal Death Syndrome (SUNDS). Identifiers: Orphanet 130, MedGen C1142166, MONDO:0015263.
Cardiovascular phenotype. Identifiers: MedGen CN230736.

Allele frequency attached by ClinVar (database versions not stated): gnomAD 0.00001.
gnomAD v4.1: 3 of 1,613,984 alleles (0.00019%); highest among the groups gnomAD compares: Middle Eastern, 0.016%; no homozygotes.

Submissions (2):

Ambry Genetics
Classification: Uncertain significance for Cardiovascular phenotype. Last evaluated: 2026-07-09. Review status: criteria provided, single submitter. Criteria: Ambry Variant Classification Scheme 2023. Collection method: clinical testing. Allele origin: germline.
Comment: The p.P236S variant (also known as c.706C>T), located in coding exon 2 of the KCNJ8 gene, results from a C to T substitution at nucleotide position 706. The proline at codon 236 is replaced by serine, an amino acid with similar properties. This amino acid position is conserved. In addition, the in silico prediction for this alteration is inconclusive. Based on the available evidence, the clinical significance of this variant remains unclear.

Labcorp Genetics (formerly Invitae), Labcorp
Classification: Uncertain significance for Brugada syndrome. Last evaluated: 2023-11-24. Review status: criteria provided, single submitter. Criteria: Invitae Variant Classification Sherloc (09022015). Collection method: clinical testing. Allele origin: germline.
Comment: This sequence change replaces proline, which is neutral and non-polar, with serine, which is neutral and polar, at codon 236 of the KCNJ8 protein (p.Pro236Ser). This variant is not present in population databases (gnomAD no frequency). This variant has not been reported in the literature in individuals affected with KCNJ8-related conditions. ClinVar contains an entry for this variant (Variation ID: 2084788). Advanced modeling of protein sequence and biophysical properties (such as structural, functional, and spatial information, amino acid conservation, physicochemical variation, residue mobility, and thermodynamic stability) performed at Invitae indicates that this missense variant is not expected to disrupt KCNJ8 protein function with a negative predictive value of 80%. In summary, the available evidence is currently insufficient to determine the role of this variant in disease. Therefore, it has been classified as a Variant of Uncertain Significance.

NM_004982.4(KCNJ8):c.706C>T (p.Pro236Ser)

Genes: KCNJ8 (potassium inwardly rectifying channel subfamily J member 8; minus strand), KCNJ8-AS1 (KCNJ8 antisense RNA 1; plus strand). Cytogenetic location: 12p12.1.
Variant type: single nucleotide variant.
Coding change: c.706C>T on transcript NM_004982.4 (MANE Select); coding-DNA position 706, C replaced by T.
Protein change: p.Pro236Ser; replaces proline 236 with serine.
Molecular consequence: missense variant.
Genome position (GRCh38, 1-based): chr12:21,766,292, G>A on the plus strand (C>T on the coding strand, the complement: KCNJ8 is on the minus strand). VCF-style: chr12-21766292-G-A. GRCh37 (hg19) VCF-style: chr12-21919226-G-A.
Identifiers: ClinVar variation 2084788 (VCV002084788.5), dbSNP rs2540720877, ClinGen allele CA384125012.
Genomic context (GRCh38, chr12:21,766,292, plus strand): 5'-TCTCGATTGGGTTATCAACAGGAATGTCCAGTTGGTGAATAGGAACCACCTCCCCTTCAG[G>A]TGTAGTTGTTTTCTTGACCACCTGGATGCGCACAGAGGCACTAATGATCATGCTTTTCCT-3'
Protein context (NP_004973.1, residues 226-246): RIQVVKKTTT[Pro236Ser]EGEVVPIHQL